The following is an entry in ClinVar:

NM_000503.6(EYA1):c.1185C>T (p.Asn395=)

Gene: EYA1 (EYA transcriptional coactivator and phosphatase 1; minus strand). Cytogenetic location: 8q13.3.
Variant type: single nucleotide variant.
Coding change: c.1185C>T on transcript NM_000503.6 (MANE Select); coding-DNA position 1185, C replaced by T.
Protein change: p.Asn395=; no amino-acid change (asparagine 395 retained).
Molecular consequence: synonymous variant.
Genome position (GRCh38, 1-based): chr8:71,216,979, G>A on the plus strand (C>T on the coding strand, the complement: EYA1 is on the minus strand). VCF-style: chr8-71216979-G-A. GRCh37 (hg19) VCF-style: chr8-72129214-G-A.
Other names: c.1167C>T, p.Asn389= (NM_001288574.2, NM_172059.5); c.819C>T, p.Asn273= (NM_001288575.2); c.1272C>T, p.Asn424= (NM_001370333.1); c.1185C>T, p.Asn395= (NM_001370334.1, NM_001370335.1, NM_172058.4); c.1164C>T, p.Asn388= (NM_001370336.1).
Identifiers: ClinVar variation 48100 (VCV000048100.16), dbSNP rs372488542, ClinGen allele CA142596.

ClinVar aggregate classification (germline): Benign/Likely benign. Review status: criteria provided, multiple submitters, no conflicts (2 of 4 stars). 7 submissions from 6 submitters: Benign (3); Likely benign (4). Last evaluated 2025-02-18.

Conditions:
Melnick-Fraser syndrome (BOR). Also called: Branchio-oto-renal syndrome; Branchiootorenal Syndrome (BORS); Branchiootorenal syndrome. Identifiers: Orphanet 107, MedGen C0265234, MONDO:0007029.
Otofaciocervical syndrome 1 (OTFCS). Identifiers: MedGen C3714941, MONDO:0024532, OMIM 166780.
Branchiootic syndrome 1 (BOS1). Also called: BO SYNDROME 1; BRANCHIOOTIC DYSPLASIA. Identifiers: MedGen C1865143, MONDO:0011258, OMIM 602588.
Branchiootorenal syndrome 1. Also called: Branchio-Oto-Renal Syndrome 1. Identifiers: Orphanet 107, MedGen C4551702, MONDO:0007236, OMIM 113650.

Allele frequency attached by ClinVar (database versions not stated): gnomAD 0.00013 and 0.00016; TOPMed 0.00014; ESP Exome Variant Server 0.00031.
gnomAD v4.1: 240 of 1,613,342 alleles (0.015%); highest among the groups gnomAD compares: Non-Finnish European, 0.0073%; no homozygotes.

Submissions (7):

Labcorp Genetics (formerly Invitae), Labcorp
Classification: Benign for Melnick-Fraser syndrome. Last evaluated: 2025-02-18. Review status: criteria provided, single submitter. Criteria: Invitae Variant Classification Sherloc (09022015). Collection method: clinical testing. Allele origin: germline.

Blueprint Genetics
Classification: Likely benign. Last evaluated: 2024-11-21. Review status: criteria provided, single submitter. Criteria: ACMG Guidelines, 2015. Collection method: clinical testing. Allele origin: germline.

Fulgent Genetics
Classification: Likely benign for Branchiootorenal syndrome 1; Otofaciocervical syndrome 1; Branchiootic syndrome 1. Last evaluated: 2022-04-13. Review status: criteria provided, single submitter. Criteria: ACMG Guidelines, 2015. Collection method: clinical testing. Allele origin: unknown.

GeneDx
Classification: Likely benign. Last evaluated: 2020-08-21. Review status: criteria provided, single submitter. Criteria: GeneDx Variant Classification Process June 2021. Collection method: clinical testing. Allele origin: germline. Affected: yes.

Illumina Laboratory Services, Illumina
Classification: Benign for Branchiootic syndrome. Last evaluated: 2018-01-12. Review status: criteria provided, single submitter. Criteria: ICSL Variant Classification Criteria 13 December 2019. Collection method: clinical testing. Allele origin: germline.
Comment: This variant was observed in the ICSL laboratory as part of a predisposition screen in an ostensibly healthy population. It had not been previously curated by ICSL or reported in the Human Gene Mutation Database (HGMD: prior to June 1st, 2018), and was therefore a candidate for classification through an automated scoring system. Utilizing variant allele frequency, disease prevalence and penetrance estimates, and inheritance mode, an automated score was calculated to assess if this variant is too frequent to cause the disease. Based on the score and internal cut-off values, a variant classified as benign is not then subjected to further curation. The score for this variant resulted in a classification of benign for this disease.

Illumina Laboratory Services, Illumina
Classification: Benign for Otofaciocervical syndrome 1. Last evaluated: 2018-01-12. Review status: criteria provided, single submitter. Criteria: ICSL Variant Classification Criteria 13 December 2019. Collection method: clinical testing. Allele origin: germline.
Comment: the same text as in the submission from Illumina Laboratory Services, Illumina above.

Laboratory for Molecular Medicine, Mass General Brigham Personalized Medicine
Classification: Likely benign. Last evaluated: 2015-05-05. Review status: criteria provided, single submitter. Criteria: LMM Criteria. Collection method: clinical testing. Allele origin: germline. Observed: 4 variant alleles.
Comment: p.Asn395Asn in Exon 12 of EYA1: This variant is not expected to have clinical si gnificance because it does not alter an amino acid residue, is not located withi n the splice consensus sequence, and has been identified 28/66712 European chrom osomes by the Exome Aggregation Consortium (ExAC ; dbSNP rs372488542).